The following is an entry in ClinVar:

ClinVar aggregate classification (germline): Uncertain significance. Review status: criteria provided, multiple submitters, no conflicts (2 of 4 stars). 2 submissions from 2 submitters: Uncertain significance (2). Last evaluated 2024-11-20.

Conditions:
Inborn genetic diseases. Identifiers: MedGen C0950123, MeSH D030342.

Allele frequency attached by ClinVar (database versions not stated): gnomAD 0.00002; TOPMed 0.00003.

Submissions (2):

Mayo Clinic Laboratories, Mayo Clinic
Classification: Uncertain significance. Last evaluated: 2024-11-20. Review status: criteria provided, single submitter. Criteria: ACMG Guidelines, 2015. Collection method: clinical testing. Allele origin: germline. Observed: 1 variant allele.
Comment: BP4, PM1_supporting

Ambry Genetics
Classification: Uncertain significance for Inborn genetic diseases. Last evaluated: 2023-12-28. Review status: criteria provided, single submitter. Criteria: Ambry Variant Classification Scheme 2023. Collection method: clinical testing. Allele origin: germline.

NM_000173.7(GP1BA):c.808T>C (p.Phe270Leu)

Gene: GP1BA (glycoprotein Ib platelet subunit alpha; plus strand). Cytogenetic location: 17p13.2.
Variant type: single nucleotide variant.
Coding change: c.808T>C on transcript NM_000173.7 (MANE Select); coding-DNA position 808, T replaced by C.
Protein change: p.Phe270Leu; replaces phenylalanine 270 with leucine.
Molecular consequence: missense variant.
Genome position (GRCh38, 1-based): chr17:4,933,412, T>C. VCF-style: chr17-4933412-T-C. GRCh37 (hg19) VCF-style: chr17-4836707-T-C.
Other names: p.Phe270Leu; short protein forms F270L.
Identifiers: ClinVar variation 3101038 (VCV003101038.2), dbSNP rs753648896, ClinGen allele CA8314840.